The following is an entry in ClinVar:

ClinVar aggregate classification (germline): Benign/Likely benign. Review status: criteria provided, multiple submitters, no conflicts (2 of 4 stars). 16 submissions from 16 submitters: Benign (8); Likely benign (3). 5 of the submissions do not count toward it. Last evaluated 2026-02-03.

Conditions:
Monogenic diabetes. Identifiers: Orphanet 183625, MedGen C3888631, MONDO:0015967.
Alstrom syndrome (ALMS). Identifiers: Orphanet 64, MedGen C0268425, MONDO:0008763, OMIM 203800.
Cardiovascular phenotype. Identifiers: MedGen CN230736.

Allele frequency attached by ClinVar (database versions not stated): gnomAD exomes 0.00059 and 0.00136; ExAC 0.00175; gnomAD 0.00542 and 0.00566; ESP Exome Variant Server 0.00584; TOPMed 0.00625; 1000 Genomes Project 0.00839; 1000 Genomes Project 30x 0.00906.
gnomAD v4.1: 1,719 of 1,614,004 alleles (0.11%); highest among the groups gnomAD compares: African/African-American, 2%; 18 homozygotes.

Submissions (16):

Labcorp Genetics (formerly Invitae), Labcorp
Classification: Benign for Alstrom syndrome. Last evaluated: 2026-02-03. Review status: criteria provided, single submitter. Criteria: Invitae Variant Classification Sherloc (09022015). Collection method: clinical testing. Allele origin: germline.

ARUP Laboratories, Molecular Genetics and Genomics, ARUP Laboratories
Classification: Benign for Alstrom syndrome. Last evaluated: 2025-03-31. Review status: criteria provided, single submitter. Criteria: ARUP Molecular Germline Variant Investigation Process 2024. Collection method: clinical testing. Allele origin: germline.

Ambry Genetics
Classification: Benign for Cardiovascular phenotype. Last evaluated: 2018-12-24. Review status: criteria provided, single submitter. Criteria: Ambry Variant Classification Scheme 2023. Collection method: clinical testing. Allele origin: germline.

Personalized Diabetes Medicine Program, University of Maryland School of Medicine
Classification: Benign for Monogenic diabetes. Last evaluated: 2018-10-12. Review status: criteria provided, single submitter. Criteria: ACMG Guidelines, 2015. Collection method: research. Allele origin: unknown. Observed: 5 variant alleles, 5 heterozygotes.
Comment: ACMG criteria: BP1 (disease caused by truncating variants), BA1 (1.9% in gnomAD African), BS2 (6 homozygotes in gnomAD African), BP4 (7 predictors + REVEL 0.039)= benign

Athena Diagnostics
Classification: Likely benign. Last evaluated: 2018-05-24. Review status: criteria provided, single submitter. Criteria: Athena Diagnostics Criteria. Collection method: clinical testing. Allele origin: germline.

Women's Health and Genetics/Laboratory Corporation of America, LabCorp
Classification: Benign. Last evaluated: 2017-02-06. Review status: criteria provided, single submitter. Criteria: LabCorp Variant Classification Summary - May 2015. Collection method: clinical testing. Allele origin: germline.
Comment: Variant summary: The ALMS1 c.10269G>C (p.Lys3423Asn, alternative name c.10275G>C) variant involves the alteration of a non-conserved nucleotide and is predicted to be benign by 3/5 in silico tools. This variant was found in 211/120598 control chromosomes (including four homozygotes), predominantly observed in the African subpopulation at a frequency of 0.019804 (194/9796). This frequency is about 9 times the estimated maximal expected allele frequency of a pathogenic ALMS1 variant (0.0022361), suggesting this is likely a benign polymorphism found primarily in the populations of African origin. It has not, to our knowledge, been reported in affected individuals in literature. One clinical diagnostic laboratory has classified this variant as benign. Taken together this variant is classified as benign variant.

GeneDx
Classification: Benign. Last evaluated: 2016-12-27. Review status: criteria provided, single submitter. Criteria: GeneDx Variant Classification (06012015). Collection method: clinical testing. Allele origin: germline. Affected: yes.
Comment: This variant is considered likely benign or benign based on one or more of the following criteria: it is a conservative change, it occurs at a poorly conserved position in the protein, it is predicted to be benign by multiple in silico algorithms, and/or has population frequency not consistent with disease.

Center for Pediatric Genomic Medicine, Children's Mercy Hospital and Clinics
Classification: Benign. Last evaluated: 2016-09-01. Review status: criteria provided, single submitter. Criteria: ACMG Guidelines, 2015. Collection method: clinical testing. Allele origin: germline.

Laboratory for Molecular Medicine, Mass General Brigham Personalized Medicine
Classification: Benign. Last evaluated: 2016-03-21. Review status: criteria provided, single submitter. Criteria: LMM Criteria. Collection method: clinical testing. Allele origin: germline. Observed: 2 variant alleles.
Comment: p.Lys3423Asn in exon 15 of ALMS1: This variant is not expected to have clinical significance because it has been identified in 3.03% (40/1322) of African chromo somes by the 1000 Genomes Project (Phase 3; dbSNP rs34398445).

Breakthrough Genomics
Classification: Likely benign. Review status: criteria provided, single submitter. Criteria: ACMG Guidelines, 2015. Collection method: not provided. Allele origin: germline. Inheritance: Autosomal recessive inheritance. Affected: yes.

Clinical Genomics, Uppaluri K&H Personalized Medicine Clinic
Classification: Likely benign for Alstrom syndrome. Review status: criteria provided, single submitter. Criteria: K & H Uppaluri Personalized Medicine Clinic Variant Classification & Assertion Criteria_Updated V.1. Collection method: research. Allele origin: unknown. Inheritance: Autosomal recessive inheritance.
Comment: Potent mutations in ALMS1 are associated with a rare condition called Alstrom syndrome. It can cause excessive eating, insulin resistance. However, no evidence is found to ascertain the role of rs34398445 in Alstrom syndrome yet.

Natera, Inc.
Classification: Benign for Alstrom syndrome. Last evaluated: 2019-12-05. Review status: no assertion criteria provided. Collection method: clinical testing. Allele origin: germline. Not counted in ClinVar's aggregate classification.

Clinical Genetics DNA and cytogenetics Diagnostics Lab, Erasmus MC, Erasmus Medical Center
Classification: Likely benign. Review status: no assertion criteria provided. Collection method: clinical testing. Allele origin: germline. Affected: yes. Study: VKGL Data-share Consensus. Not counted in ClinVar's aggregate classification.

Clinical Genetics, Academic Medical Center
Classification: Benign. Review status: no assertion criteria provided. Collection method: clinical testing. Allele origin: germline. Affected: yes. Study: VKGL Data-share Consensus. Not counted in ClinVar's aggregate classification.

Genome Diagnostics Laboratory, University Medical Center Utrecht
Classification: Benign. Review status: no assertion criteria provided. Collection method: clinical testing. Allele origin: germline. Affected: yes. Study: VKGL Data-share Consensus. Not counted in ClinVar's aggregate classification.

Laboratory of Diagnostic Genome Analysis, Leiden University Medical Center (LUMC)
Classification: Likely benign. Review status: no assertion criteria provided. Collection method: clinical testing. Allele origin: germline. Affected: yes. Study: VKGL Data-share Consensus. Not counted in ClinVar's aggregate classification.

Literature cited by the submitters: PubMed 34148947 (cited by Clinical Genomics, Uppaluri K&H Personalized Medicine Clinic); PubMed 25846608 (cited by Clinical Genomics, Uppaluri K&H Personalized Medicine Clinic); PubMed 30421101 (cited by Clinical Genomics, Uppaluri K&H Personalized Medicine Clinic); PubMed 33669459 (cited by Clinical Genomics, Uppaluri K&H Personalized Medicine Clinic).

NM_001378454.1(ALMS1):c.10272G>C (p.Lys3424Asn)

Gene: ALMS1 (ALMS1 centrosome and basal body associated protein; plus strand). Cytogenetic location: 2p13.1.
Variant type: single nucleotide variant.
Coding change: c.10272G>C on transcript NM_001378454.1 (MANE Select); coding-DNA position 10272, G replaced by C.
Protein change: p.Lys3424Asn; replaces lysine 3424 with asparagine.
Molecular consequence: missense variant.
Genome position (GRCh38, 1-based): chr2:73,559,030, G>C. VCF-style: chr2-73559030-G-C. GRCh37 (hg19) VCF-style: chr2-73786157-G-C.
Other names: c.10275G>C, p.Lys3425Asn (NM_015120.4); short protein forms K3425N, K3424N.
Identifiers: ClinVar variation 240972 (VCV000240972.29), dbSNP rs34398445, ClinGen allele CA1714954.
Genomic context (GRCh38, chr2:73,559,030, plus strand): 5'-AGATTCCAGTGCTGCTGCTGCTGCAGAGCACTCAGCTCAAGTAGGAGACCCAGAAATGAA[G>C]AACTTGCCAGACACTAAAGCCATTACACAGAAAGAGGAGATCCATAGGAAGAAGACAGTT-3'
Protein context (NP_001365383.1, residues 3414-3434): HSAQVGDPEM[Lys3424Asn]NLPDTKAITQ